The following is an entry in ClinVar:

ClinVar aggregate classification (germline): Uncertain significance (1 of 4 stars; one submission).

Allele frequency attached by ClinVar (database versions not stated): gnomAD exomes below 0.00001.
gnomAD v4.1: 5 of 1,443,230 alleles (0.00035%); highest among the groups gnomAD compares: South Asian, 0.0046%; no homozygotes.

Submission:

Labcorp Genetics (formerly Invitae), Labcorp
Classification: Uncertain significance. Last evaluated: 2022-08-18. Review status: criteria provided, single submitter. Criteria: Invitae Variant Classification Sherloc (09022015). Collection method: clinical testing. Allele origin: germline.
Comment: In summary, the available evidence is currently insufficient to determine the role of this variant in disease. Therefore, it has been classified as a Variant of Uncertain Significance. Experimental studies and prediction algorithms are not available or were not evaluated, and the functional significance of this variant is currently unknown. This variant has not been reported in the literature in individuals affected with COL18A1-related conditions. This variant is present in population databases (no rsID available, gnomAD 0.006%). This sequence change replaces proline, which is neutral and non-polar, with serine, which is neutral and polar, at codon 839 of the COL18A1 protein (p.Pro839Ser).

NM_001379500.1(COL18A1):c.2515C>T (p.Pro839Ser)

Gene: COL18A1 (collagen type XVIII alpha 1 chain; plus strand). Cytogenetic location: 21q22.3.
Variant type: single nucleotide variant.
Coding change: c.2515C>T on transcript NM_001379500.1 (MANE Select); coding-DNA position 2515, C replaced by T.
Protein change: p.Pro839Ser; replaces proline 839 with serine.
Molecular consequence: missense variant.
Genome position (GRCh38, 1-based): chr21:45,496,506, C>T. VCF-style: chr21-45496506-C-T. GRCh37 (hg19) VCF-style: chr21-46916420-C-T.
Other names: c.3055C>T, p.Pro1019Ser (NM_030582.4); c.3760C>T, p.Pro1254Ser (NM_130444.3); short protein forms P1019S, P1254S, P839S.
Identifiers: ClinVar variation 1953619 (VCV001953619.3), dbSNP rs1568928920, ClinGen allele CA410497909.
Genomic context (GRCh38, chr21:45,496,506, plus strand): 5'-GCTGCTGCCTGACAGGCAGGCCATAAGCCTAACAGCTCTCTGCCCTCCCCACAGGGAATG[C>T]CCGGCCCCCCAGGACCTCCAGGGCCCCCAGGCCCTCCAGGGACTCCTGTTTACGACAGCA-3'
Protein context (NP_001366429.1, residues 829-849): ASLGFGMRGM[Pro839Ser]GPPGPPGPPG